The following is an entry in ClinVar:

ClinVar aggregate classification (germline): Uncertain significance (1 of 4 stars; one submission).

Conditions:
Walker-Warburg congenital muscular dystrophy. Also called: Muscular dystrophy-dystroglycanopathy, type A; Walker-Warburg syndrome. Identifiers: Orphanet 899, MedGen C0265221, MONDO:0000171.

Submission:

Labcorp Genetics (formerly Invitae), Labcorp
Classification: Uncertain significance for Walker-Warburg congenital muscular dystrophy. Last evaluated: 2024-01-10. Review status: criteria provided, single submitter. Criteria: Invitae Variant Classification Sherloc (09022015). Collection method: clinical testing. Allele origin: germline.
Comment: This sequence change replaces glutamine, which is neutral and polar, with proline, which is neutral and non-polar, at codon 406 of the FKRP protein (p.Gln406Pro). This variant is not present in population databases (gnomAD no frequency). This variant has not been reported in the literature in individuals affected with FKRP-related conditions. ClinVar contains an entry for this variant (Variation ID: 1953003). Advanced modeling of protein sequence and biophysical properties (such as structural, functional, and spatial information, amino acid conservation, physicochemical variation, residue mobility, and thermodynamic stability) performed at Invitae indicates that this missense variant is expected to disrupt FKRP protein function with a positive predictive value of 80%. In summary, the available evidence is currently insufficient to determine the role of this variant in disease. Therefore, it has been classified as a Variant of Uncertain Significance.

NM_024301.5(FKRP):c.1217A>C (p.Gln406Pro)

Gene: FKRP (fukutin related protein; plus strand). Cytogenetic location: 19q13.32.
Variant type: single nucleotide variant.
Coding change: c.1217A>C on transcript NM_024301.5 (MANE Select); coding-DNA position 1217, A replaced by C.
Protein change: p.Gln406Pro; replaces glutamine 406 with proline.
Molecular consequence: missense variant.
Genome position (GRCh38, 1-based): chr19:46,756,667, A>C. VCF-style: chr19-46756667-A-C. GRCh37 (hg19) VCF-style: chr19-47259924-A-C.
Other names: c.1217A>C, p.Gln406Pro (NM_001039885.3); short protein forms Q406P.
Identifiers: ClinVar variation 1953003 (VCV001953003.4), dbSNP rs1170273978, ClinGen allele CA406496890.